The following is an entry in ClinVar:

ClinVar aggregate classification (germline): Uncertain significance (1 of 4 stars; one submission).

gnomAD v4.1: 6 of 1,596,580 alleles (0.00038%); highest among the groups gnomAD compares: African/African-American, 0.0081%; no homozygotes.

Submission:

Labcorp Genetics (formerly Invitae), Labcorp
Classification: Uncertain significance. Last evaluated: 2025-05-28. Review status: criteria provided, single submitter. Criteria: Invitae Variant Classification Sherloc (09022015). Collection method: clinical testing. Allele origin: germline.
Comment: This sequence change replaces histidine, which is basic and polar, with arginine, which is basic and polar, at codon 120 of the DVL3 protein (p.His120Arg). The frequency data for this variant in the population databases is considered unreliable, as metrics indicate poor data quality at this position in the gnomAD database. This variant has not been reported in the literature in individuals affected with DVL3-related conditions. ClinVar contains an entry for this variant (Variation ID: 3628289). An algorithm developed to predict the effect of missense changes on protein structure and function (PolyPhen-2) suggests that this variant is likely to be tolerated. In summary, the available evidence is currently insufficient to determine the role of this variant in disease. Therefore, it has been classified as a Variant of Uncertain Significance.

NM_004423.4(DVL3):c.359A>G (p.His120Arg)

Gene: DVL3 (dishevelled segment polarity protein 3; plus strand). Cytogenetic location: 3q27.1.
Variant type: single nucleotide variant.
Coding change: c.359A>G on transcript NM_004423.4 (MANE Select); coding-DNA position 359, A replaced by G.
Protein change: p.His120Arg; replaces histidine 120 with arginine.
Molecular consequence: missense variant.
Genome position (GRCh38, 1-based): chr3:184,164,497, A>G. VCF-style: chr3-184164497-A-G. GRCh37 (hg19) VCF-style: chr3-183882285-A-G.
Other names: short protein forms H120R.
Identifiers: ClinVar variation 3628289 (VCV003628289.2).